The following is an entry in ClinVar:

NM_001113378.2(FANCI):c.765T>A (p.Asp255Glu)

Gene: FANCI (FA complementation group I; plus strand). Cytogenetic location: 15q26.1.
Variant type: single nucleotide variant.
Coding change: c.765T>A on transcript NM_001113378.2 (MANE Select); coding-DNA position 765, T replaced by A.
Protein change: p.Asp255Glu; replaces aspartic acid 255 with glutamic acid.
Molecular consequence: missense variant.
Genome position (GRCh38, 1-based): chr15:89,268,408, T>A. VCF-style: chr15-89268408-T-A. GRCh37 (hg19) VCF-style: chr15-89811639-T-A.
Other names: c.486T>A, p.Asp162Glu (NM_001376910.1); c.765T>A, p.Asp255Glu (NM_001376911.1, NM_018193.3); short protein forms D162E, D255E.
Identifiers: ClinVar variation 1928321 (VCV001928321.3), dbSNP rs2506069924, ClinGen allele CA393740061.

ClinVar aggregate classification (germline): Uncertain significance (1 of 4 stars; one submission).

Conditions:
Fanconi anemia (FA). Also called: Fanconi's anemia. Identifiers: Orphanet 84, MedGen C0015625, MeSH D005199, MONDO:0019391.

Submission:

Labcorp Genetics (formerly Invitae), Labcorp
Classification: Uncertain significance for Fanconi anemia. Last evaluated: 2022-05-30. Review status: criteria provided, single submitter. Criteria: Invitae Variant Classification Sherloc (09022015). Collection method: clinical testing. Allele origin: germline.
Comment: Algorithms developed to predict the effect of missense changes on protein structure and function output the following: SIFT: "Tolerated"; PolyPhen-2: "Benign"; Align-GVGD: "Class C0". The glutamic acid amino acid residue is found in multiple mammalian species, which suggests that this missense change does not adversely affect protein function. This variant has not been reported in the literature in individuals affected with FANCI-related conditions. This variant is not present in population databases (gnomAD no frequency). This sequence change replaces aspartic acid, which is acidic and polar, with glutamic acid, which is acidic and polar, at codon 255 of the FANCI protein (p.Asp255Glu). In summary, the available evidence is currently insufficient to determine the role of this variant in disease. Therefore, it has been classified as a Variant of Uncertain Significance.